The following is an entry in ClinVar:

ClinVar aggregate classification (germline): Uncertain significance (1 of 4 stars; one submission).

Allele frequency attached by ClinVar (database versions not stated): TOPMed 0.00001; gnomAD exomes below 0.00001.

Submission:

Labcorp Genetics (formerly Invitae), Labcorp
Classification: Uncertain significance. Last evaluated: 2020-02-07. Review status: criteria provided, single submitter. Criteria: Invitae Variant Classification Sherloc (09022015). Collection method: clinical testing. Allele origin: germline.
Comment: This sequence change disrupts the translational stop signal of the SFTPC mRNA. It is expected to extend the length of the SFTPC protein by 70 additional amino acid residues. This variant is not present in population databases (ExAC no frequency). In summary, the available evidence is currently insufficient to determine the role of this variant in disease. Therefore, it has been classified as a Variant of Uncertain Significance. Experimental studies and prediction algorithms are not available or were not evaluated, and the functional significance of this variant is currently unknown. This variant has not been reported in the literature in individuals with SFTPC-related conditions.

NM_001317778.2(SFTPC):c.574T>C (p.Ter192Gln)

Gene: SFTPC (surfactant protein C; plus strand). Cytogenetic location: 8p21.3.
Variant type: single nucleotide variant.
Coding change: c.574T>C on transcript NM_001317778.2 (MANE Select); coding-DNA position 574, T replaced by C.
Protein change: p.Ter192Gln.
Molecular consequence: stop lost.
Genome position (GRCh38, 1-based): chr8:22,164,039, T>C. VCF-style: chr8-22164039-T-C. GRCh37 (hg19) VCF-style: chr8-22021552-T-C.
Other names: c.574T>C, p.Ter192Gln (NM_001172357.2, NM_001317780.2, NM_001385656.1 and 3 more transcripts); c.592T>C, p.Ter198Gln (NM_001172410.2, NM_001385653.1, NM_001385654.1 and 2 more transcripts); c.433T>C, p.Ter145Gln (NM_001317779.2, NM_001385660.1).
Identifiers: ClinVar variation 1040401 (VCV001040401.5), dbSNP rs1413448440, ClinGen allele CA370538501.
Genomic context (GRCh38, chr8:22,164,039, plus strand): 5'-CCGGCCTTCCTGGGCATGGCCGTGAGCACCCTGTGTGGCGAGGTGCCGCTCTACTACATC[T>C]AGGACGCCTCCGGTGAGCAGGTGTGATCCCAGGGCCCCTGATCAGCAGCGGAGGAGCGCT-3'